The following is an entry in ClinVar:

NM_001360016.2(G6PD):c.305T>C (p.Phe102Ser)

Gene: G6PD (glucose-6-phosphate dehydrogenase; minus strand). Cytogenetic location: Xq28.
Variant type: single nucleotide variant.
Coding change: c.305T>C on transcript NM_001360016.2 (MANE Select); coding-DNA position 305, T replaced by C.
Protein change: p.Phe102Ser; replaces phenylalanine 102 with serine.
Molecular consequence: missense variant.
Genome position (GRCh38, 1-based): chrX:154,535,348, A>G on the plus strand (T>C on the coding strand, the complement: G6PD is on the minus strand). VCF-style: chrX-154535348-A-G. GRCh37 (hg19) VCF-style: chrX-153763563-A-G.
Other names: G6PD Khon Kaen; c.395T>C, p.Phe132Ser (NM_000402.4); c.305T>C, p.Phe102Ser (NM_001042351.3); short protein forms F102S, F132S.
Identifiers: ClinVar variation 286136 (VCV000286136.7), dbSNP rs886044847, ClinGen allele CA10605373.

ClinVar aggregate classification (germline): Conflicting classifications of pathogenicity. Review status: criteria provided, conflicting classifications (1 of 4 stars). 2 submissions from 2 submitters: Likely pathogenic (1); Uncertain significance (1). Last evaluated 2022-08-12.

Conditions:
Anemia, nonspherocytic hemolytic, due to G6PD deficiency (CNSHA1). Also called: Hemolytic anemia due to G6PD deficiency; ANEMIA, CONGENITAL, NONSPHEROCYTIC HEMOLYTIC, 1; Class I glucose-6-phosphate dehydrogenase deficiency; Favism, susceptibility to. Identifiers: Orphanet 466026, MedGen C2720289, MONDO:0010480, OMIM 300908.

Submissions (2):

Dunham Lab, University of Washington
Classification: Likely pathogenic for Anemia, nonspherocytic hemolytic, due to G6PD deficiency. Last evaluated: 2022-08-12. Review status: criteria provided, single submitter. Criteria: Bayesian ACMG Guidelines, 2018. Collection method: curation. Allele origin: unknown. Affected: yes.
Comment: Variant found in heterozygotes with mild G6PD deficiency (PP4). Decreased activity in red blood cells of heterozygotes (40-50%) (PS3). Not observed in gnomAD (PM2). Post_P 0.949 (odds of pathogenicity 168.4, Prior_P 0.1).

Eurofins Ntd Llc (ga)
Classification: Uncertain significance. Last evaluated: 2016-02-02. Review status: criteria provided, single submitter. Criteria: EGL Classification Definitions 2015. Collection method: clinical testing. Allele origin: germline. Observed: 1 variant allele, 1 heterozygote.

Literature cited by the submitters: PubMed 34007417 (cited by Dunham Lab, University of Washington).